The following is an entry in ClinVar:

NM_001110556.2(FLNA):c.3934C>G (p.Arg1312Gly)

Gene: FLNA (filamin A; minus strand). Cytogenetic location: Xq28.
Variant type: single nucleotide variant.
Coding change: c.3934C>G on transcript NM_001110556.2 (MANE Select); coding-DNA position 3934, C replaced by G.
Protein change: p.Arg1312Gly; replaces arginine 1312 with glycine.
Molecular consequence: missense variant.
Genome position (GRCh38, 1-based): chrX:154,359,777, G>C on the plus strand (C>G on the coding strand, the complement: FLNA is on the minus strand). VCF-style: chrX-154359777-G-C. GRCh37 (hg19) VCF-style: chrX-153588145-G-C.
Other names: c.3934C>G, p.Arg1312Gly (NM_001456.4); short protein forms R1312G.
Identifiers: ClinVar variation 2527478 (VCV002527478.3), dbSNP rs781928289, ClinGen allele CA415221655.
Genomic context (GRCh38, chrX:154,359,777, plus strand): 5'-GTCCCCAGCACGCACCCTCCTCGTAAGGCGTGTACTCCACTTTGTACATGCCATCGCCAC[G>C]GTCCTGAACGTAGGTCTCCGTCAGGTTGCCTGAGGGGTTGGCCACACGGGCCTTGACGTG-3'
Protein context (NP_001104026.1, residues 1302-1322): GNLTETYVQD[Arg1312Gly]GDGMYKVEYT

ClinVar aggregate classification (germline): Uncertain significance. Review status: criteria provided, multiple submitters, no conflicts (2 of 4 stars). 2 submissions from 2 submitters: Uncertain significance (2). Last evaluated 2025-03-23.

Conditions:
Familial thoracic aortic aneurysm and aortic dissection (TAAD). Also called: Thoracic aortic aneurysms and dissections. Identifiers: Orphanet 91387, MedGen C4707243, MONDO:0019625.
Heterotopia, periventricular, X-linked dominant (PVNH1). Also called: PERIVENTRICULAR NODULAR HETEROTOPIA 1; PERIVENTRICULAR NODULAR HETEROTOPIA 4; HETEROTOPIA, PERIVENTRICULAR, 1; X-linked periventricular heterotopia. Identifiers: Orphanet 2149, Orphanet 82004, MedGen C1848213, MONDO:0010233, OMIM 300049.
Melnick-Needles syndrome (MNS). Also called: MELNICK-NEEDLES OSTEODYSPLASTY; OSTEODYSPLASTY OF MELNICK AND NEEDLES; Melnick-Needles Syndrome (FLNA-MNS). Identifiers: Orphanet 2484, MedGen C0025237, MONDO:0010650, OMIM 309350.
Oto-palato-digital syndrome, type II (OPD2). Also called: FACIOPALATOOSSEOUS SYNDROME; OPD II SYNDROME; Otopalatodigital Syndrome Type 2 (FLNA-OPD2); Otopalatodigital Syndrome, Type II. Identifiers: Orphanet 669, Orphanet 90652, MedGen C1844696, MONDO:0010571, OMIM 304120.
Frontometaphyseal dysplasia (FMD1). Identifiers: Orphanet 1826, MedGen C0265293, MONDO:0015942.

Submissions (2):

Labcorp Genetics (formerly Invitae), Labcorp
Classification: Uncertain significance for Oto-palato-digital syndrome, type II; Heterotopia, periventricular, X-linked dominant; Frontometaphyseal dysplasia; Melnick-Needles syndrome. Last evaluated: 2025-03-23. Review status: criteria provided, single submitter. Criteria: Invitae Variant Classification Sherloc (09022015). Collection method: clinical testing. Allele origin: germline.
Comment: This sequence change replaces arginine, which is basic and polar, with glycine, which is neutral and non-polar, at codon 1312 of the FLNA protein (p.Arg1312Gly). This variant is not present in population databases (gnomAD no frequency). This variant has not been reported in the literature in individuals affected with FLNA-related conditions. ClinVar contains an entry for this variant (Variation ID: 2527478). Invitae Evidence Modeling of protein sequence and biophysical properties (such as structural, functional, and spatial information, amino acid conservation, physicochemical variation, residue mobility, and thermodynamic stability) indicates that this missense variant is not expected to disrupt FLNA protein function with a negative predictive value of 95%. In summary, the available evidence is currently insufficient to determine the role of this variant in disease. Therefore, it has been classified as a Variant of Uncertain Significance.

Ambry Genetics
Classification: Uncertain significance for Familial thoracic aortic aneurysm and aortic dissection. Last evaluated: 2023-04-11. Review status: criteria provided, single submitter. Criteria: Ambry Variant Classification Scheme 2023. Collection method: clinical testing. Allele origin: germline.